The following is an entry in ClinVar:

NM_032638.5(GATA2):c.1017+581C>T

Gene: GATA2 (GATA binding protein 2; minus strand). Cytogenetic location: 3q21.3.
Variant type: single nucleotide variant.
Coding change: c.1017+581C>T on transcript NM_032638.5 (MANE Select); 581 bases into the intron after coding-DNA position 1017, C replaced by T.
Molecular consequence: intron variant.
Genome position (GRCh38, 1-based): chr3:128,483,279, G>A on the plus strand (C>T on the coding strand, the complement: GATA2 is on the minus strand). VCF-style: chr3-128483279-G-A. GRCh37 (hg19) VCF-style: chr3-128202122-G-A.
Other names: c.1017+581C>T (NM_001145662.1, NM_001145661.2).
Identifiers: ClinVar variation 2194965 (VCV002194965.5), dbSNP rs1384450880, ClinGen allele CA898649031.

ClinVar aggregate classification (germline): Uncertain significance. Review status: criteria provided, multiple submitters, no conflicts (2 of 4 stars). 2 submissions from 2 submitters: Uncertain significance (2). Last evaluated 2024-12-10.

Conditions:
Deafness-lymphedema-leukemia syndrome. Also called: Lymphedema, primary, with myelodysplasia; Emberger syndrome. Identifiers: Orphanet 3226, MedGen C3279664, MONDO:0013540, OMIM 614038.
Monocytopenia with susceptibility to infections. Also called: IMMUNODEFICIENCY 21; GATA2 DEFICIENCY; MONOCYTOPENIA AND MYCOBACTERIAL INFECTION SYNDROME; MONOCYTOPENIA WITH SUSCEPTIBILITY TO MYCOBACTERIAL, FUNGAL, AND PAPILLOMAVIRUS INFECTIONS AND MYELODYSPLASIA; COMBINED IMMUNODEFICIENCY WITH SUSCEPTIBILITY TO MYCOBACTERIAL, VIRAL, AND FUNGAL INFECTIONS; Dendritic cell, monocyte, B lymphocyte, and natural killer lymphocyte deficiency. Identifiers: Orphanet 228423, MedGen C3280030, MONDO:0013607, OMIM 614172.

Allele frequency attached by ClinVar (database versions not stated): TOPMed 0.00002.

Submissions (2):

Labcorp Genetics (formerly Invitae), Labcorp
Classification: Uncertain significance for Monocytopenia with susceptibility to infections; Deafness-lymphedema-leukemia syndrome. Last evaluated: 2024-12-10. Review status: criteria provided, single submitter. Criteria: Invitae Variant Classification Sherloc (09022015). Collection method: clinical testing. Allele origin: germline.
Comment: This sequence change falls in intron 4 of the GATA2 gene. It does not directly change the encoded amino acid sequence of the GATA2 protein. This variant is not present in population databases (gnomAD no frequency). This variant has not been reported in the literature in individuals affected with GATA2-related conditions. ClinVar contains an entry for this variant (Variation ID: 2194965). Algorithms developed to predict the effect of sequence changes on RNA splicing suggest that this variant may create or strengthen a splice site. In summary, the available evidence is currently insufficient to determine the role of this variant in disease. Therefore, it has been classified as a Variant of Uncertain Significance.

Blueprint Genetics
Classification: Uncertain significance. Last evaluated: 2023-05-25. Review status: criteria provided, single submitter. Criteria: ACMG Guidelines, 2015. Collection method: clinical testing. Allele origin: germline.